The following is an entry in ClinVar:

ClinVar aggregate classification (germline): Likely benign (1 of 4 stars; one submission).

Conditions:
ADCY3-related disorder. Also called: ADCY3-related condition.

gnomAD v4.1: 22 of 1,613,998 alleles (0.0014%); highest among the groups gnomAD compares: East Asian, 0.0045%; no homozygotes.

Submission:

PreventionGenetics, part of Exact Sciences
Classification: Likely benign for ADCY3-related condition. Last evaluated: 2025-03-13. Review status: criteria provided, single submitter. Criteria: ACMG Guidelines, 2015. Collection method: clinical testing. Allele origin: germline.
Comment: This variant is classified as likely benign based on ACMG/AMP sequence variant interpretation guidelines (Richards et al. 2015 PMID: 25741868, with internal and published modifications).

NM_004036.5(ADCY3):c.570C>T (p.Ile190=)

Gene: ADCY3 (adenylate cyclase 3; minus strand). Cytogenetic location: 2p23.3.
Variant type: single nucleotide variant.
Coding change: c.570C>T on transcript NM_004036.5 (MANE Select); coding-DNA position 570, C replaced by T.
Protein change: p.Ile190=; no amino-acid change (isoleucine 190 retained).
Molecular consequence: synonymous variant.
Genome position (GRCh38, 1-based): chr2:24,918,418, G>A on the plus strand (C>T on the coding strand, the complement: ADCY3 is on the minus strand). VCF-style: chr2-24918418-G-A. GRCh37 (hg19) VCF-style: chr2-25141287-G-A.
Other names: c.570C>T, p.Ile190= (NM_001320613.2, NM_001377128.1, NM_001377129.1 and 2 more transcripts).
Identifiers: ClinVar variation 4979222 (VCV004979222.1).